The following is an entry in ClinVar:

NM_001303256.3(MORC2):c.2188T>A (p.Ser730Thr)

Gene: MORC2 (MORC family CW-type zinc finger 2; minus strand). Cytogenetic location: 22q12.2.
Variant type: single nucleotide variant.
Coding change: c.2188T>A on transcript NM_001303256.3 (MANE Select); coding-DNA position 2188, T replaced by A.
Protein change: p.Ser730Thr; replaces serine 730 with threonine.
Molecular consequence: missense variant.
Genome position (GRCh38, 1-based): chr22:30,934,786, A>T on the plus strand (T>A on the coding strand, the complement: MORC2 is on the minus strand). VCF-style: chr22-30934786-A-T. GRCh37 (hg19) VCF-style: chr22-31330773-A-T.
Other names: c.2188T>A, p.Ser730Thr (NM_001303257.2); c.2002T>A, p.Ser668Thr (NM_014941.3); short protein forms S668T, S730T.
Identifiers: ClinVar variation 1679796 (VCV001679796.6), dbSNP rs759091855, ClinGen allele CA10186758.

ClinVar aggregate classification (germline): Uncertain significance. Review status: criteria provided, multiple submitters, no conflicts (2 of 4 stars). 3 submissions from 3 submitters: Uncertain significance (3). Last evaluated 2025-11-26.

Conditions:
Developmental delay, impaired growth, dysmorphic facies, and axonal neuropathy. Identifiers: MedGen C5436781, MONDO:0030835, OMIM 619090.
Charcot-Marie-Tooth disease axonal type 2Z. Also called: CHARCOT-MARIE-TOOTH DISEASE, AXONAL, AUTOSOMAL DOMINANT, TYPE 2Z; CHARCOT-MARIE-TOOTH NEUROPATHY, TYPE 2Z. Identifiers: Orphanet 466768, MedGen C5569025, MONDO:0014736, OMIM 616688.

Allele frequency attached by ClinVar (database versions not stated): TOPMed below 0.00001; ExAC 0.00001; gnomAD 0.00001; gnomAD exomes 0.00001.
gnomAD v4.1: 10 of 1,613,706 alleles (0.00062%); highest among the groups gnomAD compares: Non-Finnish European, 0.00085%; no homozygotes.

Submissions (3):

Women's Health and Genetics/Laboratory Corporation of America, LabCorp
Classification: Uncertain significance. Last evaluated: 2025-11-26. Review status: criteria provided, single submitter. Criteria: LabCorp Variant Classification Summary - May 2015. Collection method: clinical testing. Allele origin: germline.
Comment: Variant summary: MORC2 c.2188T>A (p.Ser730Thr) results in a conservative amino acid change in the encoded protein sequence. Algorithms developed to predict the effect of missense changes on protein structure and function all suggest that this variant is likely to be tolerated. The variant allele was found at a frequency of 1.2e-05 in 251358 control chromosomes. The available data on variant occurrences in the general population are insufficient to allow any conclusion about variant significance. To our knowledge, no occurrence of c.2188T>A in individuals affected with MORC2-related conditions and no experimental evidence demonstrating its impact on protein function have been reported. ClinVar contains an entry for this variant (Variation ID: 1679796). Based on the evidence outlined above, the variant was classified as uncertain significance.

Labcorp Genetics (formerly Invitae), Labcorp
Classification: Uncertain significance for Charcot-Marie-Tooth disease axonal type 2Z. Last evaluated: 2023-11-04. Review status: criteria provided, single submitter. Criteria: Invitae Variant Classification Sherloc (09022015). Collection method: clinical testing. Allele origin: germline.
Comment: This sequence change replaces serine, which is neutral and polar, with threonine, which is neutral and polar, at codon 730 of the MORC2 protein (p.Ser730Thr). This variant is present in population databases (rs759091855, gnomAD 0.003%). This variant has not been reported in the literature in individuals affected with MORC2-related conditions. ClinVar contains an entry for this variant (Variation ID: 1679796). Advanced modeling of protein sequence and biophysical properties (such as structural, functional, and spatial information, amino acid conservation, physicochemical variation, residue mobility, and thermodynamic stability) performed at Invitae indicates that this missense variant is not expected to disrupt MORC2 protein function with a negative predictive value of 95%. In summary, the available evidence is currently insufficient to determine the role of this variant in disease. Therefore, it has been classified as a Variant of Uncertain Significance.

New York Genome Center
Classification: Uncertain significance for Developmental delay, impaired growth, dysmorphic facies, and axonal neuropathy; Charcot-Marie-Tooth disease axonal type 2Z. Last evaluated: 2021-05-14. Review status: criteria provided, single submitter. Criteria: NYGC Assertion Criteria 2020. Collection method: clinical testing. Allele origin: inherited. Observed: 1 heterozygote. Study: CSER-NYCKidSeq.